The following is an entry in ClinVar:

NM_000238.4(KCNH2):c.75G>C (p.Gln25His)

Gene: KCNH2 (potassium voltage-gated channel subfamily H member 2; minus strand). Cytogenetic location: 7q36.1.
Variant type: single nucleotide variant.
Coding change: c.75G>C on transcript NM_000238.4 (MANE Select); coding-DNA position 75, G replaced by C.
Protein change: p.Gln25His; replaces glutamine 25 with histidine.
Molecular consequence: missense variant. On other transcripts: non-coding transcript variant (1).
Genome position (GRCh38, 1-based): chr7:150,977,839, C>G on the plus strand (G>C on the coding strand, the complement: KCNH2 is on the minus strand). VCF-style: chr7-150977839-C-G. GRCh37 (hg19) VCF-style: chr7-150674927-C-G.
Other names: c.75G>C, p.Gln25His (NM_172056.3); c.75G>C (NM_000238.2); short protein forms Q25H.
Identifiers: ClinVar variation 2881810 (VCV002881810.6), dbSNP rs2486167077, ClinGen allele CA369866601.
Genomic context (GRCh38, chr7:150,977,839, plus strand): 5'-CGGAAGAGCTCGGCCCGCCCCCAGAGCCCCCTCCCCGCTCAGCCCCCTCCCCCACTCACT[C>G]TGGCCCTCAAACTTGCGGATGATGGTGTCCAGGAAGGTGTTCTGCGGCGCGACGTGGCCC-3'
Protein context (NP_000229.1, residues 15-35): LDTIIRKFEG[Gln25His]SRKFIIANAR

ClinVar aggregate classification (germline): Uncertain significance. Review status: criteria provided, multiple submitters, no conflicts (2 of 4 stars). 4 submissions from 4 submitters: Uncertain significance (4). Last evaluated 2026-08-11.

Conditions:
Long QT syndrome (LQTS). Identifiers: MedGen C0023976, MeSH D008133, MONDO:0002442. Disease mechanism: loss of function. Inheritance: Various modes of inheritance.
Cardiac arrhythmia. Also called: Arrhythmia; Cardiac rhythm disease. Identifiers: MedGen C0003811, MONDO:0007263, HP:0011675.
Cardiovascular phenotype. Identifiers: MedGen CN230736.

Submissions (4):

Ambry Genetics
Classification: Uncertain significance for Cardiovascular phenotype. Last evaluated: 2026-08-11. Review status: criteria provided, single submitter. Criteria: Ambry Variant Classification Scheme 2023. Collection method: clinical testing. Allele origin: germline.
Comment: The p.Q25H variant (also known as c.75G>C), located in coding exon 1 of the KCNH2 gene, results from a G to C substitution at nucleotide position 75. The glutamine at codon 25 is replaced by histidine, an amino acid with highly similar properties. This amino acid position is well conserved in available vertebrate species. In addition, the in silico prediction for this alteration is inconclusive. Based on the available evidence, the clinical significance of this variant remains unclear.

Color Diagnostics, LLC DBA Color Health
Classification: Uncertain significance for Cardiac arrhythmia. Last evaluated: 2025-06-26. Review status: criteria provided, single submitter. Criteria: ACMG Guidelines, 2015. Collection method: clinical testing. Allele origin: germline.
Comment: This missense variant replaces glutamine with histidine at codon 25 of the KCNH2 protein. Computational prediction is inconclusive regarding the impact of this variant on protein structure and function. To our knowledge, functional studies have not been reported for this variant. This variant has been reported in an individual affected with cardiomyopathy or arrhythmia (PMID: 33954932). This variant has not been identified in the general population by the Genome Aggregation Database (gnomAD). The available evidence is insufficient to determine the role of this variant in disease conclusively. Therefore, this variant is classified as a Variant of Uncertain Significance.

GeneDx
Classification: Uncertain significance. Last evaluated: 2024-10-08. Review status: criteria provided, single submitter. Criteria: GeneDx Variant Classification Process June 2021. Collection method: clinical testing. Allele origin: germline. Affected: yes.
Comment: Not observed at significant frequency in large population cohorts (gnomAD); In silico analysis supports that this missense variant has a deleterious effect on protein structure/function; Has not been previously published as pathogenic or benign to our knowledge

Labcorp Genetics (formerly Invitae), Labcorp
Classification: Uncertain significance for Long QT syndrome. Last evaluated: 2023-03-18. Review status: criteria provided, single submitter. Criteria: Invitae Variant Classification Sherloc (09022015). Collection method: clinical testing. Allele origin: germline.
Comment: This variant is not present in population databases (gnomAD no frequency). An algorithm developed to predict the effect of missense changes on protein structure and function (PolyPhen-2) suggests that this variant is likely to be tolerated. This variant has not been reported in the literature in individuals affected with KCNH2-related conditions. This sequence change replaces glutamine, which is neutral and polar, with histidine, which is basic and polar, at codon 25 of the KCNH2 protein (p.Gln25His). In summary, the available evidence is currently insufficient to determine the role of this variant in disease. Therefore, it has been classified as a Variant of Uncertain Significance.

Literature cited by the submitters: PubMed 33954932 (cited by Color Diagnostics, LLC DBA Color Health).